The following is an entry in ClinVar:

NM_032043.3(BRIP1):c.1394G>T (p.Cys465Phe)

Gene: BRIP1 (BRCA1 interacting DNA helicase 1; minus strand). Cytogenetic location: 17q23.2.
Variant type: single nucleotide variant.
Coding change: c.1394G>T on transcript NM_032043.3 (MANE Select); coding-DNA position 1394, G replaced by T.
Protein change: p.Cys465Phe; replaces cysteine 465 with phenylalanine.
Molecular consequence: missense variant.
Genome position (GRCh38, 1-based): chr17:61,793,676, C>A on the plus strand (G>T on the coding strand, the complement: BRIP1 is on the minus strand). VCF-style: chr17-61793676-C-A. GRCh37 (hg19) VCF-style: chr17-59871037-C-A.
Other names: short protein forms C465F.
Identifiers: ClinVar variation 1691977 (VCV001691977.3), dbSNP rs1603340346, ClinGen allele CA400482210.

ClinVar aggregate classification (germline): Uncertain significance. Review status: criteria provided, multiple submitters, no conflicts (2 of 4 stars). 2 submissions from 2 submitters: Uncertain significance (2). Last evaluated 2024-04-16.

Conditions:
Hereditary cancer-predisposing syndrome. Also called: Hereditary Cancer Syndrome; Hereditary neoplastic syndrome; Neoplastic Syndromes, Hereditary; Tumor predisposition. Identifiers: Orphanet 140162, MedGen C0027672, MeSH D009386, MONDO:0015356.

Submissions (2):

Color Diagnostics, LLC DBA Color Health
Classification: Uncertain significance for Hereditary cancer-predisposing syndrome. Last evaluated: 2024-04-16. Review status: criteria provided, single submitter. Criteria: ACMG Guidelines, 2015. Collection method: clinical testing. Allele origin: germline.
Comment: This missense variant replaces cysteine with phenylalanine at codon 465 of the BRIP1 protein. Computational prediction is inconclusive regarding the impact of this variant on protein structure and function. To our knowledge, functional studies have not been reported for this variant. This variant has not been reported in individuals affected with BRIP1-related disorders in the literature. This variant has not been identified in the general population by the Genome Aggregation Database (gnomAD). The available evidence is insufficient to determine the role of this variant in disease conclusively. Therefore, this variant is classified as a Variant of Uncertain Significance.

Sema4
Classification: Uncertain significance for Hereditary cancer-predisposing syndrome. Last evaluated: 2021-08-18. Review status: criteria provided, single submitter. Criteria: Sema4 Curation Guidelines. Collection method: curation. Allele origin: germline.
Comment: The BRIP1 c.1394G>T (p.C465F) variant has not been reported in the literature to our knowledge. It was not observed in the large and broad cohorts of the Genome Aggregation Database (PMID: 32461654) or in ClinVar. Functional studies have not been performed, and in silico predictions of the variant's effect on protein function are inconclusive. The evidence is insufficient to meet ACMG/AMP criteria for classifying the variant as benign or pathogenic. Thus, the clinical significance of this variant is currently uncertain.